The following is an entry in ClinVar:

NM_002224.4(ITPR3):c.6576G>A (p.Pro2192=)

Gene: ITPR3 (inositol 1,4,5-trisphosphate receptor type 3; plus strand). Cytogenetic location: 6p21.31.
Variant type: single nucleotide variant.
Coding change: c.6576G>A on transcript NM_002224.4 (MANE Select); coding-DNA position 6576, G replaced by A.
Protein change: p.Pro2192=; no amino-acid change (proline 2192 retained).
Molecular consequence: synonymous variant.
Genome position (GRCh38, 1-based): chr6:33,688,663, G>A. VCF-style: chr6-33688663-G-A. GRCh37 (hg19) VCF-style: chr6-33656440-G-A.
Identifiers: ClinVar variation 2656502 (VCV002656502.24), dbSNP rs762470840, ClinGen allele CA3761947.

ClinVar aggregate classification (germline): Likely benign (1 of 4 stars; one submission).

Allele frequency attached by ClinVar (database versions not stated): ExAC 0.00001.

Submission:

CeGaT Center for Human Genetics Tuebingen
Classification: Likely benign. Last evaluated: 2022-08-01. Review status: criteria provided, single submitter. Criteria: CeGaT Center For Human Genetics Tuebingen Variant Classification Criteria Version 2. Collection method: clinical testing. Allele origin: germline. Affected: yes. Observed: 1 variant allele.
Comment: ITPR3: BP4, BP7